The following is an entry in ClinVar:

ClinVar aggregate classification (germline): Pathogenic/Likely pathogenic. Review status: criteria provided, multiple submitters, no conflicts (2 of 4 stars). 4 submissions from 4 submitters: Pathogenic (2); Likely pathogenic (2). Last evaluated 2025-10-16.

Conditions:
Cardiovascular phenotype. Identifiers: MedGen CN230736.
ANK2-related disorder. Also called: ANK2-related condition.

gnomAD v4.1: 2 of 1,613,986 alleles (0.00012%); highest among the groups gnomAD compares: Non-Finnish European, 0.00017%; no homozygotes.

Submissions (4):

Ambry Genetics
Classification: Pathogenic for Cardiovascular phenotype. Last evaluated: 2025-10-16. Review status: criteria provided, single submitter. Criteria: Ambry Variant Classification Scheme 2023. Collection method: clinical testing. Allele origin: germline.
Comment: The c.2683C>T (p.R895*) alteration, located in exon 24 (coding exon 24) of the ANK2 gene, consists of a C to T substitution at nucleotide position 2683. This changes the amino acid from an arginine (R) to a stop codon at amino acid position 895. This alteration is expected to result in loss of function by premature protein truncation or nonsense-mediated mRNA decay. This variant was not reported in population-based cohorts in the Genome Aggregation Database (gnomAD). This variant was reported in individual(s) with features consistent with ANK2-related neurodevelopmental disorder (Iossifov, 2014). Based on the available evidence, this alteration is classified as pathogenic.

3billion
Classification: Likely pathogenic for ANK2-related disorder. Last evaluated: 2025-07-25. Review status: criteria provided, single submitter. Criteria: ACMG Guidelines, 2015. Collection method: clinical testing. Allele origin: germline. Affected: yes.
Comment: The variant is observed at an extremely low frequency in the gnomAD v4.1.0 dataset (total allele frequency: <0.001%). Predicted Consequence/Location: Stop-gained (nonsense): predicted to result in a loss or disruption of normal protein function through nonsense-mediated decay (NMD) or protein truncation. Multiple pathogenic variants are reported downstream of the variant. The variant has been reported to be associated with ANK2-related disorder (ClinVar ID: VCV003337797; PMID: 22542183). Therefore, this variant is classified as Likely pathogenic according to the recommendation of ACMG/AMP guideline.

GeneDx
Classification: Pathogenic. Last evaluated: 2025-07-08. Review status: criteria provided, single submitter. Criteria: GeneDx Variant Classification Process June 2021. Collection method: clinical testing. Allele origin: germline. Affected: yes.
Comment: Nonsense variant predicted to result in protein truncation or nonsense mediated decay in a gene for which loss of function is a known mechanism of disease; Reported in at least one individual with autism undergoing whole exome sequencing; detailed clinical information was not provided (PMID: 22542183); Not observed at significant frequency in large population cohorts (gnomAD); This variant is associated with the following publications: (PMID: 31981491, 35982160, 31785789, 31332282, 24859339, 35982159, 36368308, 28867142, 28191890, 25363768, 22542183)

Clinical Genetics Laboratory, Skane University Hospital Lund
Classification: Likely pathogenic. Last evaluated: 2022-05-27. Review status: criteria provided, single submitter. Criteria: ACMG Guidelines, 2015. Collection method: clinical testing. Allele origin: germline. Affected: yes.

Literature cited by the submitters: PubMed 25363768 (cited by Ambry Genetics).

NM_001148.6(ANK2):c.2683C>T (p.Arg895Ter)

Gene: ANK2 (ankyrin 2; plus strand). Cytogenetic location: 4q26.
Variant type: single nucleotide variant.
Coding change: c.2683C>T on transcript NM_001148.6 (MANE Select); coding-DNA position 2683, C replaced by T.
Protein change: p.Arg895Ter; replaces arginine 895 with a stop codon.
Molecular consequence: nonsense.
Genome position (GRCh38, 1-based): chr4:113,311,389, C>T. VCF-style: chr4-113311389-C-T. GRCh37 (hg19) VCF-style: chr4-114232545-C-T.
Other names: c.2620C>T, p.Arg874Ter (NM_001127493.3, NM_001354254.2, NM_001354255.2 and 10 more transcripts); c.2683C>T, p.Arg895Ter (NM_001354225.2, NM_001354228.2, NM_001354232.2 and 6 more transcripts); c.2728C>T, p.Arg910Ter (NM_001354230.2, NM_001354231.2, NM_001354237.2 and 5 more transcripts); c.2521C>T, p.Arg841Ter (NM_001354253.2, NM_001354257.2, NM_001386156.1 and 1 more transcripts); c.2497C>T, p.Arg833Ter (NM_001354260.2, NM_001354271.2, NM_001386151.1); c.2641C>T, p.Arg881Ter (NM_001354261.2, NM_001386160.1, NM_001386147.1); c.2596C>T, p.Arg866Ter (NM_001354274.2, NM_001354276.2, NM_001386153.1 and 10 more transcripts); c.2398C>T, p.Arg800Ter (NM_001354277.2, NM_001386157.1); and 9 more; short protein forms R104*, R767*, R800*, R825*, R829*, R833*, R841*, R862*.
Identifiers: ClinVar variation 3337797 (VCV003337797.4).